The following is an entry in ClinVar:

ClinVar aggregate classification (germline): Uncertain significance. Review status: criteria provided, multiple submitters, no conflicts (2 of 4 stars). 4 submissions from 4 submitters: Uncertain significance (4). Last evaluated 2025-11-01.

Conditions:
Inborn genetic diseases. Identifiers: MedGen C0950123, MeSH D030342.
Hereditary cancer-predisposing syndrome. Also called: Neoplastic Syndromes, Hereditary; Hereditary Cancer Syndrome; Tumor predisposition; Hereditary neoplastic syndrome. Identifiers: Orphanet 140162, MedGen C0027672, MeSH D009386, MONDO:0015356.
Cowden syndrome (CS). Also called: Cowden's disease; Cowden's syndrome; Cowden disease. Identifiers: Orphanet 201, MedGen C0018553, MONDO:0016063. Disease mechanism: gain of function.

Allele frequency attached by ClinVar (database versions not stated): gnomAD 0.00001; gnomAD exomes 0.00001; ExAC 0.00002.
gnomAD v4.1: 11 of 1,613,954 alleles (0.00068%); highest among the groups gnomAD compares: Non-Finnish European, 0.00093%; no homozygotes.

Submissions (4):

CeGaT Center for Human Genetics Tuebingen
Classification: Uncertain significance. Last evaluated: 2025-11-01. Review status: criteria provided, single submitter. Criteria: CeGaT Center For Human Genetics Tuebingen Variant Classification Criteria Version 2. Collection method: clinical testing. Allele origin: germline. Affected: yes. Observed: 1 variant allele.
Comment: PIK3CA: PM2

Labcorp Genetics (formerly Invitae), Labcorp
Classification: Uncertain significance for Cowden syndrome. Last evaluated: 2023-10-14. Review status: criteria provided, single submitter. Criteria: Invitae Variant Classification Sherloc (09022015). Collection method: clinical testing. Allele origin: germline.
Comment: This sequence change replaces asparagine, which is neutral and polar, with histidine, which is basic and polar, at codon 497 of the PIK3CA protein (p.Asn497His). This variant is present in population databases (rs199563773, gnomAD 0.003%). This variant has not been reported in the literature in individuals affected with PIK3CA-related conditions. ClinVar contains an entry for this variant (Variation ID: 526640). Advanced modeling of protein sequence and biophysical properties (such as structural, functional, and spatial information, amino acid conservation, physicochemical variation, residue mobility, and thermodynamic stability) has been performed at Invitae for this missense variant, however the output from this modeling did not meet the statistical confidence thresholds required to predict the impact of this variant on PIK3CA protein function. In summary, the available evidence is currently insufficient to determine the role of this variant in disease. Therefore, it has been classified as a Variant of Uncertain Significance.

Ambry Genetics
Classification: Uncertain significance for Inborn genetic diseases. Last evaluated: 2023-07-27. Review status: criteria provided, single submitter. Criteria: Ambry Variant Classification Scheme 2023. Collection method: clinical testing. Allele origin: germline.
Comment: The p.N497H variant (also known as c.1489A>C), located in coding exon 8 of the PIK3CA gene, results from an A to C substitution at nucleotide position 1489. The asparagine at codon 497 is replaced by histidine, an amino acid with similar properties. This amino acid position is conserved. In addition, this alteration is predicted to be tolerated by in silico analysis. Since supporting evidence is limited at this time, the clinical significance of this alteration remains unclear.

Mendelics
Classification: Uncertain significance for Hereditary cancer-predisposing syndrome. Last evaluated: 2018-07-02. Review status: criteria provided, single submitter. Criteria: Mendelics Assertion Criteria 2017. Collection method: clinical testing. Allele origin: unknown.

NM_006218.4(PIK3CA):c.1489A>C (p.Asn497His)

Gene: PIK3CA (phosphatidylinositol-4,5-bisphosphate 3-kinase catalytic subunit alpha; plus strand). Cytogenetic location: 3q26.32.
Variant type: single nucleotide variant.
Coding change: c.1489A>C on transcript NM_006218.4 (MANE Select); coding-DNA position 1489, A replaced by C.
Protein change: p.Asn497His; replaces asparagine 497 with histidine.
Molecular consequence: missense variant.
Genome position (GRCh38, 1-based): chr3:179,210,515, A>C. VCF-style: chr3-179210515-A-C. GRCh37 (hg19) VCF-style: chr3-178928303-A-C.
Other names: short protein forms N497H.
Identifiers: ClinVar variation 526640 (VCV000526640.21), dbSNP rs199563773, ClinGen allele CA2710730.
Genomic context (GRCh38, chr3:179,210,515, plus strand): 5'-TTTGACTGGTTCAGCAGTGTGGTAAAGTTCCCAGATATGTCAGTGATTGAAGAGCATGCC[A>C]ATTGGTCTGTATCCCGAGAAGCAGGATTTAGCTATTCCCACGCAGGACTGGTAAGGCAAA-3'
Protein context (NP_006209.2, residues 487-507): PDMSVIEEHA[Asn497His]WSVSREAGFS